The following is an entry in ClinVar:

ClinVar aggregate classification (germline): Benign/Likely benign. Review status: criteria provided, multiple submitters, no conflicts (2 of 4 stars). 5 submissions from 5 submitters: Benign (1); Likely benign (4). Last evaluated 2026-01-19.

Allele frequency attached by ClinVar (database versions not stated): 1000 Genomes Project 30x 0.00016; 1000 Genomes Project 0.00020; gnomAD exomes 0.00063 and 0.00110; ExAC 0.00066; gnomAD 0.00075 and 0.00076; TOPMed 0.00076; ESP Exome Variant Server 0.00100.
gnomAD v4.1: 1,713 of 1,612,598 alleles (0.11%); highest among the groups gnomAD compares: Middle Eastern, 0.21%; no homozygotes.

Submissions (5):

Labcorp Genetics (formerly Invitae), Labcorp
Classification: Likely benign. Last evaluated: 2026-01-19. Review status: criteria provided, single submitter. Criteria: Invitae Variant Classification Sherloc (09022015). Collection method: clinical testing. Allele origin: germline.

CeGaT Center for Human Genetics Tuebingen
Classification: Likely benign. Last evaluated: 2025-09-01. Review status: criteria provided, single submitter. Criteria: CeGaT Center For Human Genetics Tuebingen Variant Classification Criteria Version 2. Collection method: clinical testing. Allele origin: germline. Affected: yes. Observed: 2 variant alleles.
Comment: RPL31: BP4, BP7

Laboratory of Genetics, Children's Clinical University Hospital Latvia
Classification: Benign. Last evaluated: 2025-02-16. Review status: criteria provided, single submitter. Criteria: ACMG Guidelines, 2015. Collection method: clinical testing. Allele origin: germline. Affected: yes.

Blueprint Genetics
Classification: Likely benign. Last evaluated: 2024-11-26. Review status: criteria provided, single submitter. Criteria: ACMG Guidelines, 2015. Collection method: clinical testing. Allele origin: germline.

Genetic Services Laboratory, University of Chicago
Classification: Likely benign. Last evaluated: 2021-10-19. Review status: criteria provided, single submitter. Criteria: ACMG Guidelines, 2015. Collection method: clinical testing. Allele origin: germline. Affected: no.

NM_000993.5(RPL31):c.252C>T (p.Ile84=)

Gene: RPL31 (ribosomal protein L31; plus strand). Cytogenetic location: 2q11.2.
Variant type: single nucleotide variant.
Coding change: c.252C>T on transcript NM_000993.5 (MANE Select); coding-DNA position 252, C replaced by T.
Protein change: p.Ile84=; no amino-acid change (isoleucine 84 retained).
Molecular consequence: synonymous variant.
Genome position (GRCh38, 1-based): chr2:101,005,977, C>T. VCF-style: chr2-101005977-C-T. GRCh37 (hg19) VCF-style: chr2-101622439-C-T.
Other names: c.252C>T, p.Ile84= (NM_001098577.3, NM_001099693.2).
Identifiers: ClinVar variation 787582 (VCV000787582.38), dbSNP rs138783248, ClinGen allele CA1804254.